The following is an entry in ClinVar:

ClinVar aggregate classification (germline): Uncertain significance (1 of 4 stars; one submission).

Conditions:
Nephronophthisis. Also called: Juvenile Nephronophthisis. Identifiers: Orphanet 655, MedGen C0687120, MONDO:0019005, HP:0000090.

Submission:

Labcorp Genetics (formerly Invitae), Labcorp
Classification: Uncertain significance for Nephronophthisis. Last evaluated: 2022-06-27. Review status: criteria provided, single submitter. Criteria: Invitae Variant Classification Sherloc (09022015). Collection method: clinical testing. Allele origin: germline.
Comment: In summary, the available evidence is currently insufficient to determine the role of this variant in disease. Therefore, it has been classified as a Variant of Uncertain Significance. Algorithms developed to predict the effect of sequence changes on RNA splicing suggest that this variant may disrupt the consensus splice site. Algorithms developed to predict the effect of missense changes on protein structure and function are either unavailable or do not agree on the potential impact of this missense change (SIFT: "Deleterious"; PolyPhen-2: "Possibly Damaging"; Align-GVGD: "Class C15"). ClinVar contains an entry for this variant (Variation ID: 999477). This variant has not been reported in the literature in individuals affected with NPHP3-related conditions. This variant is not present in population databases (gnomAD no frequency). This sequence change replaces aspartic acid, which is acidic and polar, with tyrosine, which is neutral and polar, at codon 378 of the NPHP3 protein (p.Asp378Tyr).

NM_153240.5(NPHP3):c.1132G>T (p.Asp378Tyr)

Genes: NPHP3 (nephrocystin 3; minus strand), NPHP3-ACAD11 (NPHP3-ACAD11 readthrough (NMD candidate); minus strand). Cytogenetic location: 3q22.1.
Variant type: single nucleotide variant.
Coding change: c.1132G>T on transcript NM_153240.5 (MANE Select); coding-DNA position 1132, G replaced by T.
Protein change: p.Asp378Tyr; replaces aspartic acid 378 with tyrosine.
Molecular consequence: missense variant. On other transcripts: non-coding transcript variant (1).
Genome position (GRCh38, 1-based): chr3:132,708,244, C>A on the plus strand (G>T on the coding strand, the complement: NPHP3 is on the minus strand). VCF-style: chr3-132708244-C-A. GRCh37 (hg19) VCF-style: chr3-132427088-C-A.
Other names: short protein forms D378Y.
Identifiers: ClinVar variation 999477 (VCV000999477.8), dbSNP rs1939810316, ClinGen allele CA354585288.